The following is an entry in ClinVar:

NM_003119.4(SPG7):c.413A>C (p.Tyr138Ser)

Gene: SPG7 (SPG7 matrix AAA peptidase subunit, paraplegin; plus strand). Cytogenetic location: 16q24.3.
Variant type: single nucleotide variant.
Coding change: c.413A>C on transcript NM_003119.4 (MANE Select); coding-DNA position 413, A replaced by C.
Protein change: p.Tyr138Ser; replaces tyrosine 138 with serine.
Molecular consequence: missense variant.
Genome position (GRCh38, 1-based): chr16:89,524,042, A>C. VCF-style: chr16-89524042-A-C. GRCh37 (hg19) VCF-style: chr16-89590450-A-C.
Other names: p.Y138S:TAC>TCC; c.413A>C, p.Tyr138Ser (NM_001363850.1, NM_199367.3); short protein forms Y138S.
Identifiers: ClinVar variation 215203 (VCV000215203.10), dbSNP rs377268309, ClinGen allele CA319958.

ClinVar aggregate classification (germline): Uncertain significance. Review status: criteria provided, multiple submitters, no conflicts (2 of 4 stars). 2 submissions from 2 submitters: Uncertain significance (2). Last evaluated 2020-09-09.

Conditions:
Hereditary spastic paraplegia 7 (SPG7). Also called: Autosomal recessive spastic paraplegia type 7; Spastic paraplegia 7; Hereditary spastic paraplegia Paraplegin type; SPASTIC PARAPLEGIA 7, AUTOSOMAL RECESSIVE, WITH OR WITHOUT CEREBELLAR ATAXIA; SPG7-related neurologic disorder. Identifiers: Orphanet 99013, MedGen C1846564, MONDO:0011803, OMIM 607259.

Allele frequency attached by ClinVar (database versions not stated): TOPMed below 0.00001; ESP Exome Variant Server 0.00008.
gnomAD v4.1: 45 of 1,613,464 alleles (0.0028%); highest among the groups gnomAD compares: Non-Finnish European, 0.0038%; no homozygotes.

Submissions (2):

GeneDx
Classification: Uncertain significance. Last evaluated: 2020-09-09. Review status: criteria provided, single submitter. Criteria: GeneDx Variant Classification Process June 2021. Collection method: clinical testing. Allele origin: germline. Affected: yes.
Comment: Has not been previously published as pathogenic or benign to our knowledge; Not observed in large population cohorts (Lek et al., 2016); In silico analysis supports that this missense variant has a deleterious effect on protein structure/function

Labcorp Genetics (formerly Invitae), Labcorp
Classification: Uncertain significance for Hereditary spastic paraplegia 7. Last evaluated: 2018-02-14. Review status: criteria provided, single submitter. Criteria: Invitae Variant Classification Sherloc (09022015). Collection method: clinical testing. Allele origin: germline.
Comment: In summary, the available evidence is currently insufficient to determine the role of this variant in disease. Therefore, it has been classified as a Variant of Uncertain Significance. This sequence change replaces tyrosine with serine at codon 138 of the SPG7 protein (p.Tyr138Ser). The tyrosine residue is moderately conserved and there is a large physicochemical difference between tyrosine and serine. This variant is not present in population databases (ExAC no frequency). This variant has not been reported in the literature in individuals with SPG7-related disease. ClinVar contains an entry for this variant (Variation ID: 215203). Algorithms developed to predict the effect of missense changes on protein structure and function do not agree on the potential impact of this missense change (SIFT: "Tolerated"; PolyPhen-2: "Possibly Damaging"; Align-GVGD: "Class C0").